The following is an entry in ClinVar:

ClinVar aggregate classification (germline): Uncertain significance (1 of 4 stars; one submission).

gnomAD v4.1: 60 of 1,613,720 alleles (0.0037%); highest among the groups gnomAD compares: African/African-American, 0.0067%; no homozygotes.

Submission:

Labcorp Genetics (formerly Invitae), Labcorp
Classification: Uncertain significance. Last evaluated: 2025-11-29. Review status: criteria provided, single submitter. Criteria: Invitae Variant Classification Sherloc (09022015). Collection method: clinical testing. Allele origin: germline.
Comment: This sequence change replaces proline, which is neutral and non-polar, with leucine, which is neutral and non-polar, at codon 1476 of the BPTF protein (p.Pro1476Leu). This variant is present in population databases (rs746386939, gnomAD 0.01%). This variant has not been reported in the literature in individuals affected with BPTF-related conditions. An algorithm developed to predict the effect of missense changes on protein structure and function outputs the following: PolyPhen-2: "Benign". The leucine amino acid residue is found in multiple mammalian species, which suggests that this missense change does not adversely affect protein function. In summary, the available evidence is currently insufficient to determine the role of this variant in disease. Therefore, it has been classified as a Variant of Uncertain Significance.

NM_182641.4(BPTF):c.4049C>T (p.Pro1350Leu)

Gene: BPTF (bromodomain PHD finger transcription factor; plus strand). Cytogenetic location: 17q24.2.
Variant type: single nucleotide variant.
Coding change: c.4049C>T on transcript NM_182641.4 (MANE Select); coding-DNA position 4049, C replaced by T.
Protein change: p.Pro1350Leu; replaces proline 1350 with leucine.
Molecular consequence: missense variant.
Genome position (GRCh38, 1-based): chr17:67,911,933, C>T. VCF-style: chr17-67911933-C-T. GRCh37 (hg19) VCF-style: chr17-65908049-C-T.
Other names: c.4238C>T, p.Pro1413Leu (NM_001439139.1, NM_001439141.1, NM_001439143.1 and 1 more transcripts); c.4427C>T, p.Pro1476Leu (NM_001439140.1, NM_001439142.1, NM_004459.7); short protein forms P1350L, P1476L, P1413L.
Identifiers: ClinVar variation 4779254 (VCV004779254.1).